The following is an entry in ClinVar:

NM_206933.4(USH2A):c.14243C>T (p.Ser4748Phe)

Gene: USH2A (usherin; minus strand). Cytogenetic location: 1q41.
Variant type: single nucleotide variant.
Coding change: c.14243C>T on transcript NM_206933.4 (MANE Select); coding-DNA position 14243, C replaced by T.
Protein change: p.Ser4748Phe; replaces serine 4748 with phenylalanine.
Molecular consequence: missense variant.
Genome position (GRCh38, 1-based): chr1:215,650,692, G>A on the plus strand (C>T on the coding strand, the complement: USH2A is on the minus strand). VCF-style: chr1-215650692-G-A. GRCh37 (hg19) VCF-style: chr1-215824034-G-A.
Other names: short protein forms S4748F.
Identifiers: ClinVar variation 143175 (VCV000143175.12), dbSNP rs527236126, ClinGen allele CA270145.

ClinVar aggregate classification (germline): Pathogenic/Likely pathogenic. Review status: criteria provided, multiple submitters, no conflicts (2 of 4 stars). 9 submissions from 9 submitters: Pathogenic (4); Likely pathogenic (2). 3 of the submissions do not count toward it. Last evaluated 2025-10-21.

Conditions:
Retinitis pigmentosa 39 (RP39). Identifiers: Orphanet 791, MedGen C3151138, MONDO:0013436, OMIM 613809.
Usher syndrome type 2A. Also called: USHER SYNDROME, TYPE IIA; RETINAL DISEASE IN USHER SYNDROME TYPE IIA, MODIFIER OF. Identifiers: Orphanet 231178, Orphanet 886, MedGen C1848634, MONDO:0010169, OMIM 276901.
Retinal dystrophy. Also called: Inherited retinal dystrophy. Identifiers: Orphanet 71862, MedGen C0854723, MeSH D058499, MONDO:0019118, HP:0000556.
Leber congenital amaurosis (LCA). Also called: Leber's amaurosis. Identifiers: Orphanet 65, MedGen C0339527, MeSH D057130, MONDO:0018998.
Retinitis pigmentosa (RP). Identifiers: Orphanet 791, MedGen C0035334, MeSH D012174, MONDO:0019200, OMIM 268000. Inheritance: Autosomal dominant, autosomal recessive and X linked inheritance.

Allele frequency attached by ClinVar (database versions not stated): gnomAD exomes 0.00001 and below 0.00001.
gnomAD v4.1: 8 of 1,614,044 alleles (0.0005%); highest among the groups gnomAD compares: East Asian, 0.018%; no homozygotes.

Submissions (9):

3billion
Classification: Likely pathogenic for Retinitis pigmentosa 39. Last evaluated: 2025-10-21. Review status: criteria provided, single submitter. Criteria: ACMG Guidelines, 2015. Collection method: clinical testing. Allele origin: germline. Affected: yes.
Comment: The variant is observed at an extremely low frequency in the gnomAD v4.1.0 dataset (total allele frequency: <0.001%). Predicted Consequence/Location: Missense variant In silico tools predict the variant to alter splicing and produce an abnormal transcript [SpliceAI: 0.24 (>=0.2, moderate evidence for spliceogenicity)]. The same nucleotide change resulting in the same amino acid change has been previously reported as pathogenic/likely pathogenic with strong evidence (ClinVar ID: VCV000143175 /PMID: 33105608 /3billion dataset). Therefore, this variant is classified as Likely pathogenic according to the recommendation of ACMG/AMP guideline.

Natera, Inc.
Classification: Pathogenic for Usher syndrome type 2A. Last evaluated: 2025-04-24. Review status: criteria provided, single submitter. Criteria: Natera Variant Classification Schema (03/2026). Collection method: clinical testing. Allele origin: germline.
Comment: The c.14243C>T variant in USH2A is a missense variant predicted to cause substitution of serine to phenylalanine at amino acid 4748. This variant is rare in the general population with a frequency below the threshold expected for the associated phenotype(s). This variant has been observed in one or more individuals affected with the associated recessive disease, as either homozygous or compound heterozygous with a second variant (PMID: 33105608, 25324289, 31213501, 38819824). Computational prediction algorithms indicate this variant is likely to affect gene or protein function. Given the available evidence, this variant is classified as Pathogenic.

Fulgent Genetics
Classification: Likely pathogenic for Usher syndrome type 2A; Retinitis pigmentosa 39. Last evaluated: 2024-06-16. Review status: criteria provided, single submitter. Criteria: ACMG Guidelines, 2015. Collection method: clinical testing. Allele origin: germline.

Labcorp Genetics (formerly Invitae), Labcorp
Classification: Pathogenic. Last evaluated: 2023-11-07. Review status: criteria provided, single submitter. Criteria: Invitae Variant Classification Sherloc (09022015). Collection method: clinical testing. Allele origin: germline.
Comment: This sequence change replaces serine, which is neutral and polar, with phenylalanine, which is neutral and non-polar, at codon 4748 of the USH2A protein (p.Ser4748Phe). This variant is not present in population databases (gnomAD no frequency). This missense change has been observed in individuals with clinical features of inherited retinal dystrophy (PMID: 25078356, 25324289, 33105608). ClinVar contains an entry for this variant (Variation ID: 143175). Advanced modeling of protein sequence and biophysical properties (such as structural, functional, and spatial information, amino acid conservation, physicochemical variation, residue mobility, and thermodynamic stability) performed at Invitae indicates that this missense variant is expected to disrupt USH2A protein function with a positive predictive value of 80%. For these reasons, this variant has been classified as Pathogenic.

Dept Of Ophthalmology, Nagoya University
Classification: Pathogenic for Retinal dystrophy. Last evaluated: 2023-10-01. Review status: criteria provided, single submitter. Criteria: Submitter's publication. Collection method: research. Allele origin: germline. Affected: yes.

Baylor Genetics
Classification: Pathogenic for Retinitis pigmentosa 39. Last evaluated: 2023-07-01. Review status: criteria provided, single submitter. Criteria: ACMG Guidelines, 2015. Collection method: clinical testing. Allele origin: unknown.

Department of Ophthalmology and Visual Sciences Kyoto University
Classification: Likely pathogenic for Retinitis pigmentosa. Review status: no assertion criteria provided. Collection method: not provided. Allele origin: unknown. Not counted in ClinVar's aggregate classification.
ClinVar note: Converted during submission from probable-pathogenic to Likely pathogenic.

Counsyl
Classification: Uncertain significance for Usher syndrome type 2A; Retinitis pigmentosa 39. Last evaluated: 2018-04-25. Review status: flagged submission. Collection method: clinical testing. Allele origin: unknown. Not counted in ClinVar's aggregate classification.
ClinVar note: Reason: Older claim that does not account for recent evidence

Molecular Diagnostics Laboratory, Seoul National University Hospital
Classification: Uncertain significance for Leber congenital amaurosis. Last evaluated: 2014-09-18. Review status: flagged submission. Collection method: clinical testing. Allele origin: unknown. Affected: yes. Not counted in ClinVar's aggregate classification.
ClinVar note: Reason: Older claim that does not account for recent evidence

Literature cited by the submitters: PubMed 33105608 (cited by 3 submitters); PubMed 25324289 (cited by 3 submitters); PubMed 31213501 (cited by Natera, Inc.); PubMed 38819824 (cited by Natera, Inc.); PubMed 25078356 (cited by Labcorp Genetics (formerly Invitae), Labcorp and Counsyl).